The following is an entry in ClinVar:

NM_001163278.2(TENM1):c.2620G>C (p.Val874Leu)

Gene: TENM1 (teneurin transmembrane protein 1; minus strand). Cytogenetic location: Xq25.
Variant type: single nucleotide variant.
Coding change: c.2620G>C on transcript NM_001163278.2 (MANE Select); coding-DNA position 2620, G replaced by C.
Protein change: p.Val874Leu; replaces valine 874 with leucine.
Molecular consequence: missense variant.
Genome position (GRCh38, 1-based): chrX:124,546,905, C>G on the plus strand (G>C on the coding strand, the complement: TENM1 is on the minus strand). VCF-style: chrX-124546905-C-G. GRCh37 (hg19) VCF-style: chrX-123680755-C-G.
Other names: c.2617G>C, p.Val873Leu (NM_001163279.1); c.2620G>C, p.Val874Leu (NM_014253.3); short protein forms V873L, V874L.
Identifiers: ClinVar variation 1015001 (VCV001015001.10), dbSNP rs1283490732, ClinGen allele CA414285949.

ClinVar aggregate classification (germline): Uncertain significance (1 of 4 stars; one submission).

Submission:

Labcorp Genetics (formerly Invitae), Labcorp
Classification: Uncertain significance. Last evaluated: 2020-02-14. Review status: criteria provided, single submitter. Criteria: Invitae Variant Classification Sherloc (09022015). Collection method: clinical testing. Allele origin: germline.
Comment: In summary, the available evidence is currently insufficient to determine the role of this variant in disease. Therefore, it has been classified as a Variant of Uncertain Significance. This variant has not been reported in the literature in individuals with TENM1-related conditions. This sequence change replaces valine with leucine at codon 874 of the TENM1 protein (p.Val874Leu). The valine residue is moderately conserved and there is a small physicochemical difference between valine and leucine. This variant is not present in population databases (ExAC no frequency). Algorithms developed to predict the effect of missense changes on protein structure and function (SIFT, PolyPhen-2, Align-GVGD) all suggest that this variant is likely to be tolerated, but these predictions have not been confirmed by published functional studies and their clinical significance is uncertain.